The following is an entry in ClinVar:

ClinVar aggregate classification (germline): Conflicting classifications of pathogenicity. Review status: criteria provided, conflicting classifications (1 of 4 stars). 11 submissions from 11 submitters: Uncertain significance (1); Likely benign (7). 3 of the submissions do not count toward it. Last evaluated 2025-10-13.

Conditions:
NEXN-related disorder. Also called: NEXN-related condition; NEXN-related disorders.
Cardiovascular phenotype. Identifiers: MedGen CN230736.
Dilated cardiomyopathy 1CC (CMD1CC). Identifiers: Orphanet 154, MedGen C2751084, MONDO:0013147, OMIM 613122.
Hypertrophic cardiomyopathy 20. Identifiers: MedGen C3151267, MONDO:0013477, OMIM 613876.
Cardiomyopathy (CMYO). Also called: Cardiomyopathies. Identifiers: Orphanet 167848, MedGen C0878544, MONDO:0004994, HP:0001638. Inheritance: Various modes of inheritance.

Allele frequency attached by ClinVar (database versions not stated): gnomAD 0.00003 and 0.00004; gnomAD exomes 0.00004; TOPMed 0.00008; ESP Exome Variant Server 0.00009; ExAC 0.00010.
gnomAD v4.1: 63 of 1,613,190 alleles (0.0039%); highest among the groups gnomAD compares: Middle Eastern, 0.034%; no homozygotes.

Submissions (11):

Labcorp Genetics (formerly Invitae), Labcorp
Classification: Likely benign for Dilated cardiomyopathy 1CC; Hypertrophic cardiomyopathy 20. Last evaluated: 2025-10-13. Review status: criteria provided, single submitter. Criteria: Invitae Variant Classification Sherloc (09022015). Collection method: clinical testing. Allele origin: germline.

Blueprint Genetics
Classification: Likely benign. Last evaluated: 2024-08-26. Review status: criteria provided, single submitter. Criteria: ACMG Guidelines, 2015. Collection method: clinical testing. Allele origin: germline.

Ambry Genetics
Classification: Likely benign for Cardiovascular phenotype. Last evaluated: 2022-08-03. Review status: criteria provided, single submitter. Criteria: Ambry Variant Classification Scheme 2023. Collection method: clinical testing. Allele origin: germline.

CeGaT Center for Human Genetics Tuebingen
Classification: Likely benign. Last evaluated: 2022-07-01. Review status: criteria provided, single submitter. Criteria: CeGaT Center For Human Genetics Tuebingen Variant Classification Criteria Version 2. Collection method: clinical testing. Allele origin: germline. Affected: yes. Observed: 1 variant allele.
Comment: NEXN: BP4, BP7

CHEO Genetics Diagnostic Laboratory, Children's Hospital of Eastern Ontario
Classification: Likely benign for Cardiomyopathy. Last evaluated: 2022-01-24. Review status: criteria provided, single submitter. Criteria: ACMG Guidelines, 2015. Collection method: clinical testing. Allele origin: germline. Study: Canadian Open Genetics Repository.

GeneDx
Classification: Likely benign. Last evaluated: 2021-06-21. Review status: criteria provided, single submitter. Criteria: GeneDx Variant Classification Process June 2021. Collection method: clinical testing. Allele origin: germline. Affected: yes.

Eurofins Ntd Llc (ga)
Classification: Uncertain significance. Last evaluated: 2015-05-04. Review status: criteria provided, single submitter. Criteria: EGL Classification Definitions 2015. Collection method: clinical testing. Allele origin: germline. Observed: 1 variant allele, 1 heterozygote.

Laboratory for Molecular Medicine, Mass General Brigham Personalized Medicine
Classification: Likely benign. Last evaluated: 2012-03-19. Review status: criteria provided, single submitter. Criteria: LMM Criteria. Collection method: clinical testing. Allele origin: germline. Observed: 2 variant alleles.
Comment: Glu83Glu in Exon 04 of NEXN: This variant is not expected to have clinical signi ficance because it does not alter an amino acid residue, is not located within t he splice consensus sequence. It has been identified in 0.015% (1/6530) of Europ ean American chromosomes from a broad population by the NHLBI Exome Sequencing P roject. Glu83Glu in Exon 04 of NEXN (allele frequency =1/6530)**

PreventionGenetics, part of Exact Sciences
Classification: Likely benign for NEXN-related condition. Last evaluated: 2020-10-02. Review status: no assertion criteria provided. Collection method: clinical testing. Allele origin: germline. Not counted in ClinVar's aggregate classification.
Comment: This variant is classified as likely benign based on ACMG/AMP sequence variant interpretation guidelines (Richards et al. 2015 PMID: 25741868, with internal and published modifications).

Clinical Genetics, Academic Medical Center
Classification: Benign. Review status: no assertion criteria provided. Collection method: clinical testing. Allele origin: germline. Affected: yes. Study: VKGL Data-share Consensus. Not counted in ClinVar's aggregate classification.

Genome Diagnostics Laboratory, University Medical Center Utrecht
Classification: Likely benign. Review status: no assertion criteria provided. Collection method: clinical testing. Allele origin: germline. Affected: yes. Study: VKGL Data-share Consensus. Not counted in ClinVar's aggregate classification.

NM_144573.4(NEXN):c.249G>A (p.Glu83=)

Gene: NEXN (nexilin F-actin binding protein; plus strand). Cytogenetic location: 1p31.1.
Variant type: single nucleotide variant.
Coding change: c.249G>A on transcript NM_144573.4 (MANE Select); coding-DNA position 249, G replaced by A.
Protein change: p.Glu83=; no amino-acid change (glutamic acid 83 retained).
Molecular consequence: synonymous variant.
Genome position (GRCh38, 1-based): chr1:77,917,989, G>A. VCF-style: chr1-77917989-G-A. GRCh37 (hg19) VCF-style: chr1-78383674-G-A.
Other names: c.57G>A, p.Glu19= (NM_001172309.2).
Identifiers: ClinVar variation 178102 (VCV000178102.53), dbSNP rs372532824, ClinGen allele CA181406.